The following is an entry in ClinVar:

NM_001005273.3(CHD3):c.5915A>G (p.Lys1972Arg)

Gene: CHD3 (chromodomain helicase DNA binding protein 3; plus strand). Cytogenetic location: 17p13.1.
Variant type: single nucleotide variant.
Coding change: c.5915A>G on transcript NM_001005273.3 (MANE Select); coding-DNA position 5915, A replaced by G.
Protein change: p.Lys1972Arg; replaces lysine 1972 with arginine.
Molecular consequence: missense variant. On other transcripts: synonymous variant (1).
Genome position (GRCh38, 1-based): chr17:7,911,497, A>G. VCF-style: chr17-7911497-A-G. GRCh37 (hg19) VCF-style: chr17-7814815-A-G.
Other names: c.6092A>G, p.Lys2031Arg (NM_001005271.3); c.6138A>G, p.Glu2046= (NM_001437504.1); c.6080A>G, p.Lys2027Arg (NM_001437507.1); c.5978A>G, p.Lys1993Arg (NM_001437508.1); c.6083A>G, p.Lys2028Arg (NM_001437509.1); c.5813A>G, p.Lys1938Arg (NM_005852.4); short protein forms K1938R, K1972R, K1993R, K2027R, K2028R, K2031R.
Identifiers: ClinVar variation 4846990 (VCV004846990.1).
Genomic context (GRCh38, chr17:7,911,497, plus strand): 5'-ATCTTTCCTTACCCCTTTCCCAAACAGCCGCCACCAACGGCCCTCCAGTGCTTGTGAAGA[A>G]GGAGAAGGAAATGGTGGGGGCATTGGTGTCAGACGGGCTGGATCGGAAGGAGCCCCGAGC-3'
Protein context (NP_001005273.1, residues 1962-1982): ATNGPPVLVK[Lys1972Arg]EKEMVGALVS

ClinVar aggregate classification (germline): Uncertain significance (1 of 4 stars; one submission).

Conditions:
Snijders Blok-Campeau syndrome. Also called: INTELLECTUAL DEVELOPMENTAL DISORDER WITH MACROCEPHALY, SPEECH DELAY, AND DYSMORPHIC FACIES. Identifiers: Orphanet 599082, MedGen C4748701, MONDO:0032600, OMIM 618205.

Submission:

Laboratorio de Genetica e Diagnostico Molecular, Hospital Israelita Albert Einstein
Classification: Uncertain significance for Snijders Blok-Campeau syndrome. Last evaluated: 2026-02-26. Review status: criteria provided, single submitter. Criteria: ACMG Guidelines, 2015. Collection method: clinical testing. Allele origin: germline. Affected: yes.
Comment: ACMG classification criteria: PM2 supporting, PP2 supporting, BP4 supporting